The following is an entry in ClinVar:

ClinVar aggregate classification (germline): Pathogenic/Likely pathogenic. Review status: criteria provided, multiple submitters, no conflicts (2 of 4 stars). 12 submissions from 12 submitters: Pathogenic (7); Likely pathogenic (5). Last evaluated 2025-12-18.

Conditions:
Hereditary cancer-predisposing syndrome. Also called: Tumor predisposition; Hereditary Cancer Syndrome; Hereditary neoplastic syndrome; Neoplastic Syndromes, Hereditary. Identifiers: Orphanet 140162, MedGen C0027672, MeSH D009386, MONDO:0015356.
Cardiovascular phenotype. Identifiers: MedGen CN230736.
Café-au-lait macules with pulmonary stenosis (WTSN). Also called: PULMONIC STENOSIS WITH CAFE-AU-LAIT SPOTS. Identifiers: MedGen C0553586, MONDO:0008672, OMIM 193520.
Neurofibromatosis-Noonan syndrome (NFNS). Also called: NEUROFIBROMATOSIS WITH NOONAN PHENOTYPE. Identifiers: Orphanet 638, MedGen C2931482, MONDO:0011035, OMIM 601321. Disease mechanism: loss of function.
Juvenile myelomonocytic leukemia (JMML). Also called: LEUKEMIA, JUVENILE MYELOMONOCYTIC, SOMATIC. Identifiers: Orphanet 86834, MedGen C0349639, MONDO:0011908, OMIM 607785, HP:0012209.
Neurofibromatosis, type 1 (NF1). Also called: Neurofibromatosis, type I; NEUROFIBROMATOSIS, TYPE I, SOMATIC; VON RECKLINGHAUSEN DISEASE; Peripheral type neurofibromatosis. Identifiers: Orphanet 636, MedGen C0027831, MONDO:0018975, OMIM 162200. Disease mechanism: loss of function.
Neurofibromatosis, familial spinal (FSNF). Identifiers: Orphanet 636, MedGen C1834235, MONDO:0008078, OMIM 162210. Disease mechanism: loss of function.
NF1-related disorder. Also called: NF1-related condition. Identifiers: MedGen CN379171.

Submissions (12):

Labcorp Genetics (formerly Invitae), Labcorp
Classification: Pathogenic for Neurofibromatosis, type 1. Last evaluated: 2025-12-18. Review status: criteria provided, single submitter. Criteria: Invitae Variant Classification Sherloc (09022015). Collection method: clinical testing. Allele origin: germline.
Comment: This sequence change replaces histidine, which is basic and polar, with arginine, which is basic and polar, at codon 553 of the NF1 protein (p.His553Arg). This variant is not present in population databases (gnomAD no frequency). This missense change has been observed in individual(s) with neurofibromatosis type 1 (PMID: 16944272, 27322474, 27838393). In at least one individual the variant was observed to be de novo. Invitae Evidence Modeling of clinical and family history, age, sex, and reported ancestry of multiple individuals with this NF1 variant has been performed. This variant is expected to be pathogenic with a positive predictive value of at least 99%. This is a validated machine learning model that incorporates the clinical features of 1,785,918 individuals referred to our laboratory for NF1 testing. ClinVar contains an entry for this variant (Variation ID: 420076). Invitae Evidence Modeling of protein sequence and biophysical properties (such as structural, functional, and spatial information, amino acid conservation, physicochemical variation, residue mobility, and thermodynamic stability) indicates that this missense variant is expected to disrupt NF1 protein function with a positive predictive value of 95%. For these reasons, this variant has been classified as Pathogenic.

NHS Central & South Genomic Laboratory Hub
Classification: Pathogenic for Neurofibromatosis type 1. Last evaluated: 2025-12-08. Review status: criteria provided, single submitter. Criteria: ACMG Guidelines, 2015. Collection method: clinical testing. Allele origin: germline. Affected: yes.

GeneDx
Classification: Pathogenic. Last evaluated: 2025-12-01. Review status: criteria provided, single submitter. Criteria: GeneDx Variant Classification Process June 2021. Collection method: clinical testing. Allele origin: germline. Affected: yes.
Comment: Not observed at significant frequency in large population cohorts (gnomAD); In silico analysis supports that this missense variant has a deleterious effect on protein structure/function; This variant is associated with the following publications: (PMID: 16199547, 16944272, 20655465, 17879440, 27390349, 28862263, 31766501, 24803665, 31717729, 34392670, 36289852, 27838393, 31370276, 27322474, 37806041, 38355628, 38596211, 25486365, 37471196)

Department of Clinical Genetics, Copenhagen University Hospital, Rigshospitalet
Classification: Likely pathogenic for Neurofibromatosis, type 1. Last evaluated: 2025-05-02. Review status: criteria provided, single submitter. Criteria: ACMG Guidelines, 2015. Collection method: clinical testing. Allele origin: germline.
Comment: The following ACMG criteria has been used: PS4_st, PM1_su, PM2_su, PP3_su

Quest Diagnostics Nichols Institute San Juan Capistrano
Classification: Likely pathogenic. Last evaluated: 2024-12-23. Review status: criteria provided, single submitter. Criteria: Quest Diagnostics criteria. Collection method: clinical testing. Allele origin: unknown.
Comment: The NF1 c.1658A>G (p.His553Arg) variant has been reported in the published literature in individuals affected with neurofibromatosis type 1 (PMIDs: 27838393 (2017), 27322474 (2016)). In one family, the variant has been identified as a de novo occurrence in an individuals with neurofibromatosis type 1 (PMID: 27322474 (2016)). This variant has not been reported in large, multi-ethnic general populations (Genome Aggregation Database). Analysis of this variant using bioinformatics tools for the prediction of the effect of amino acid changes on protein structure and function yielded predictions that this variant is damaging. Based on the available information, this variant is classified as likely pathogenic.

Genomic Medicine Center of Excellence, King Faisal Specialist Hospital and Research Centre
Classification: Pathogenic for Neurofibromatosis, type 1. Last evaluated: 2024-12-19. Review status: criteria provided, single submitter. Criteria: ACMG Guidelines, 2015. Collection method: clinical testing. Allele origin: germline.

Blueprint Genetics
Classification: Pathogenic for NF1-related disorders. Last evaluated: 2024-10-02. Review status: criteria provided, single submitter. Criteria: ACMG Guidelines, 2015. Collection method: clinical testing. Allele origin: germline. Affected: yes. Observed: 2 variant alleles.

Ambry Genetics
Classification: Likely pathogenic for Cardiovascular phenotype; Hereditary cancer-predisposing syndrome. Last evaluated: 2024-07-26. Review status: criteria provided, single submitter. Criteria: Ambry Variant Classification Scheme 2023. Collection method: clinical testing. Allele origin: germline.
Comment: The p.H553R variant (also known as c.1658A>G), located in coding exon 15 of the NF1 gene, results from an A to G substitution at nucleotide position 1658. The histidine at codon 553 is replaced by arginine, an amino acid with highly similar properties. This alteration has been observed in multiple individuals with a personal and/or family history that is consistent with NF1-related disease (Ambry internal data; Yao R et al. Genes (Basel), 2019 10;10; Demir G&uuml;ndoan B et al. Turk J Med Sci, 2021 Aug). This amino acid position is highly conserved in available vertebrate species. In addition, this alteration is predicted to be deleterious by in silico analysis. This variant is considered to be rare based on population cohorts in the Genome Aggregation Database (gnomAD). Based on the majority of available evidence to date, this variant is likely to be pathogenic.

Fulgent Genetics
Classification: Likely pathogenic for Neurofibromatosis, type 1; Neurofibromatosis, familial spinal; Café-au-lait macules with pulmonary stenosis; Neurofibromatosis-Noonan syndrome; Juvenile myelomonocytic leukemia. Last evaluated: 2024-04-01. Review status: criteria provided, single submitter. Criteria: ACMG Guidelines, 2015. Collection method: clinical testing. Allele origin: germline.

Genome-Nilou Lab
Classification: Likely pathogenic for Neurofibromatosis, type 1. Last evaluated: 2022-03-15. Review status: criteria provided, single submitter. Criteria: ACMG Guidelines, 2015. Collection method: clinical testing. Allele origin: germline. Affected: no.

Center for Human Genetics, Inc
Classification: Pathogenic for Neurofibromatosis, type 1. Last evaluated: 2016-11-01. Review status: criteria provided, single submitter. Criteria: ACMG Guidelines, 2015. Collection method: clinical testing. Allele origin: germline. Affected: yes.

Juno Genomics, Hangzhou Juno Genomics, Inc
Classification: Pathogenic for Neurofibromatosis, type 1. Review status: criteria provided, single submitter. Criteria: ACMG Guidelines, 2015. Collection method: clinical testing. Allele origin: germline. Affected: yes.
Comment: Absent from controls (or at extremely low frequency if recessive) in Genome Aggregation Database, Exome Sequencing Project, 1000 Genomes Project, or Exome Aggregation Consortium.;Multiple lines of computational evidence support a deleterious effect on the gene or gene product (conservation, evolutionary, splicing impact, etc).;Missense variant in a gene that has a low rate of benign missense variation and where missense variants are a common mechanism of disease.;Located in a mutational hot spot and/or critical and well-established functional domain (e.g. active site of an enzyme) without benign variation.;Novel missense change at an amino acid residue where a different missense change determined to be pathogenic has been seen before.;The prevalence of the variant in affected individuals is significantly increased compared to the prevalence in controls.;Assumed de novo, but without confirmation of paternity and maternity.;Patient's phenotype or family history is highly specific for a disease with a single genetic etiology.

Literature cited by the submitters: PubMed 16944272 (cited by Labcorp Genetics (formerly Invitae), Labcorp and Ambry Genetics); PubMed 27322474 (cited by Labcorp Genetics (formerly Invitae), Labcorp and Ambry Genetics); PubMed 27838393 (cited by Labcorp Genetics (formerly Invitae), Labcorp); PubMed 31717729 (cited by Ambry Genetics); PubMed 31766501 (cited by Ambry Genetics); PubMed 34392670 (cited by Ambry Genetics).

NM_001042492.3(NF1):c.1658A>G (p.His553Arg)

Gene: NF1 (neurofibromin 1; plus strand). Cytogenetic location: 17q11.2.
Variant type: single nucleotide variant.
Coding change: c.1658A>G on transcript NM_001042492.3 (MANE Select); coding-DNA position 1658, A replaced by G.
Protein change: p.His553Arg; replaces histidine 553 with arginine.
Molecular consequence: missense variant.
Genome position (GRCh38, 1-based): chr17:31,221,866, A>G. VCF-style: chr17-31221866-A-G. GRCh37 (hg19) VCF-style: chr17-29548884-A-G.
Other names: c.1658A>G, p.His553Arg (NM_000267.4, NM_001128147.3); short protein forms H553R.
Identifiers: ClinVar variation 420076 (VCV000420076.23), dbSNP rs1064794274, ClinGen allele CA16620358.